The following is an entry in ClinVar:

ClinVar aggregate classification (germline): Uncertain significance (1 of 4 stars; one submission).

Allele frequency attached by ClinVar (database versions not stated): gnomAD exomes below 0.00001; TOPMed below 0.00001.

Submission:

Labcorp Genetics (formerly Invitae), Labcorp
Classification: Uncertain significance. Last evaluated: 2022-09-09. Review status: criteria provided, single submitter. Criteria: Invitae Variant Classification Sherloc (09022015). Collection method: clinical testing. Allele origin: germline.
Comment: This sequence change falls in intron 13 of the DSG1 gene. It does not directly change the encoded amino acid sequence of the DSG1 protein. It affects a nucleotide within the consensus splice site. The frequency data for this variant in the population databases is considered unreliable, as metrics indicate poor data quality at this position in the gnomAD database. This variant has not been reported in the literature in individuals affected with DSG1-related conditions. Variants that disrupt the consensus splice site are a relatively common cause of aberrant splicing (PMID: 17576681, 9536098). Algorithms developed to predict the effect of sequence changes on RNA splicing suggest that this variant is not likely to affect RNA splicing. In summary, the available evidence is currently insufficient to determine the role of this variant in disease. Therefore, it has been classified as a Variant of Uncertain Significance.

Literature cited by the submitters: PubMed 17576681; PubMed 9536098.

NM_001942.4(DSG1):c.1891+5G>A

Genes: DSG1 (desmoglein 1; plus strand), DSG1-AS1 (DSG1 antisense RNA 1; minus strand). Cytogenetic location: 18q12.1.
Variant type: single nucleotide variant.
Coding change: c.1891+5G>A on transcript NM_001942.4 (MANE Select); 5 bases into the intron after coding-DNA position 1891, G replaced by A.
Molecular consequence: intron variant.
Genome position (GRCh38, 1-based): chr18:31,344,000, G>A. VCF-style: chr18-31344000-G-A. GRCh37 (hg19) VCF-style: chr18-28923963-G-A.
Identifiers: ClinVar variation 1918919 (VCV001918919.5), dbSNP rs1357452646, ClinGen allele CA629140966.